The following is an entry in ClinVar:

ClinVar aggregate classification (germline): Likely benign (1 of 4 stars; one submission).

Conditions:
Amyotrophic lateral sclerosis (ALS). Also called: Lou Gehrig disease; Charcot disease. Identifiers: Orphanet 803, MedGen C0002736, MONDO:0004976, HP:0007354.

gnomAD v4.1: 10 of 1,614,182 alleles (0.00062%); highest among the groups gnomAD compares: East Asian, 0.022%; no homozygotes.

Submission:

Department of Neurology, Brain Research Institute, Niigata University
Classification: Likely benign for Amyotrophic lateral sclerosis. Last evaluated: 2026-09-21. Review status: criteria provided, single submitter. Criteria: ACMG Guidelines, 2015. Collection method: research. Allele origin: unknown. Affected: yes.
Comment: REVEL score of this variant is 0.229 (BP4_Supporting).

NM_014043.4(CHMP2B):c.10C>T (p.Leu4Phe)

Gene: CHMP2B (charged multivesicular body protein 2B; plus strand). Cytogenetic location: 3p11.2.
Variant type: single nucleotide variant.
Coding change: c.10C>T on transcript NM_014043.4 (MANE Select); coding-DNA position 10, C replaced by T.
Protein change: p.Leu4Phe; replaces leucine 4 with phenylalanine.
Molecular consequence: missense variant. On other transcripts: 5 prime UTR variant (2).
Genome position (GRCh38, 1-based): chr3:87,227,532, C>T. VCF-style: chr3-87227532-C-T. GRCh37 (hg19) VCF-style: chr3-87276682-C-T.
Other names: c.-22C>T (NM_001244644.2, NM_001410777.1); short protein forms L4F.
Identifiers: ClinVar variation 4820029 (VCV004820029.2).